The following is an entry in ClinVar:

ClinVar aggregate classification (germline): Uncertain significance (1 of 4 stars; one submission).

Conditions:
Bloom syndrome (BLM). Also called: Bloom-Torre-Machacek syndrome. Identifiers: Orphanet 125, MedGen C0005859, MONDO:0008876, OMIM 210900.

Submission:

Labcorp Genetics (formerly Invitae), Labcorp
Classification: Uncertain significance for Bloom syndrome. Last evaluated: 2023-05-22. Review status: criteria provided, single submitter. Criteria: Invitae Variant Classification Sherloc (09022015). Collection method: clinical testing. Allele origin: germline.
Comment: This variant, c.1770_1772dup, results in the insertion of 1 amino acid(s) of the BLM protein (p.Arg591dup), but otherwise preserves the integrity of the reading frame. This variant is not present in population databases (gnomAD no frequency). In summary, the available evidence is currently insufficient to determine the role of this variant in disease. Therefore, it has been classified as a Variant of Uncertain Significance. Experimental studies and prediction algorithms are not available or were not evaluated, and the functional significance of this variant is currently unknown. ClinVar contains an entry for this variant (Variation ID: 2115371). This variant has not been reported in the literature in individuals affected with BLM-related conditions.

NM_000057.4(BLM):c.1770_1772dup (p.Arg591_Pro592insArg)

Gene: BLM (BLM RecQ like helicase; plus strand). Cytogenetic location: 15q26.1.
Variant type: Duplication.
Coding change: c.1770_1772dup on transcript NM_000057.4 (MANE Select); coding-DNA positions 1770 to 1772, 3 bases duplicated (TCG; older notation c.1770_1772dupTCG).
Protein change: p.Arg591_Pro592insArg.
Molecular consequence: inframe insertion.
Genome position (GRCh38, 1-based): chr15:90,761,143-90,761,145, TCG duplicated; duplicating any 3 consecutive bases within chr15:90,761,142-90,761,145 gives the same sequence; the c. name uses the placement nearest the transcript's 3' end. VCF-style (leftmost placement, unchanged base first): chr15-90761141-G-GGTC. GRCh37 (hg19) VCF-style: chr15-91304371-G-GGTC.
Other names: c.1770_1772dup, p.Arg591_Pro592insArg (NM_001287246.2, NM_001287247.2); c.645_647dup, p.Arg216_Pro217insArg (NM_001287248.2).
Identifiers: ClinVar variation 2115371 (VCV002115371.4), dbSNP rs2505428916, ClinGen allele CA2580090392.